The following is an entry in ClinVar:

ClinVar aggregate classification (germline): Uncertain significance (1 of 4 stars; one submission).

Conditions:
Cataract 17 multiple types. Also called: CATARACT 17, PULVERULENT; CATARACT 17, CONGENITAL NUCLEAR, AUTOSOMAL RECESSIVE. Identifiers: Orphanet 91492, MedGen C3888124, MONDO:0012688, OMIM 611544.

Submission:

Labcorp Genetics (formerly Invitae), Labcorp
Classification: Uncertain significance for Cataract 17 multiple types. Last evaluated: 2025-10-23. Review status: criteria provided, single submitter. Criteria: Invitae Variant Classification Sherloc (09022015). Collection method: clinical testing. Allele origin: germline.
Comment: This sequence change replaces isoleucine, which is neutral and non-polar, with serine, which is neutral and polar, at codon 46 of the CRYBB1 protein (p.Ile46Ser). This variant is not present in population databases (gnomAD no frequency). This variant has not been reported in the literature in individuals affected with CRYBB1-related conditions. An algorithm developed to predict the effect of missense changes on protein structure and function (PolyPhen-2) suggests that this variant is likely to be tolerated. In summary, the available evidence is currently insufficient to determine the role of this variant in disease. Therefore, it has been classified as a Variant of Uncertain Significance.

NM_001887.4(CRYBB1):c.137T>G (p.Ile46Ser)

Genes: CRYBA4 (crystallin beta A4; plus strand), CRYBB1 (crystallin beta B1; minus strand). Cytogenetic location: 22q12.1.
Variant type: single nucleotide variant.
Coding change: c.137T>G on transcript NM_001887.4 (MANE Select); coding-DNA position 137, T replaced by G.
Protein change: p.Ile46Ser; replaces isoleucine 46 with serine.
Molecular consequence: missense variant.
Genome position (GRCh38, 1-based): chr22:26,616,183, A>C on the plus strand (T>G on the coding strand, the complement: CRYBB1 is on the minus strand). VCF-style: chr22-26616183-A-C. GRCh37 (hg19) VCF-style: chr22-27012147-A-C.
Other names: short protein forms I46S.
Identifiers: ClinVar variation 4728822 (VCV004728822.1).